The following is an entry in ClinVar:

NM_001040436.3(YARS2):c.553T>C (p.Phe185Leu)

Gene: YARS2 (tyrosyl-tRNA synthetase 2; minus strand). Cytogenetic location: 12p11.21.
Variant type: single nucleotide variant.
Coding change: c.553T>C on transcript NM_001040436.3 (MANE Select); coding-DNA position 553, T replaced by C.
Protein change: p.Phe185Leu; replaces phenylalanine 185 with leucine.
Molecular consequence: missense variant.
Genome position (GRCh38, 1-based): chr12:32,755,322, A>G on the plus strand (T>C on the coding strand, the complement: YARS2 is on the minus strand). VCF-style: chr12-32755322-A-G. GRCh37 (hg19) VCF-style: chr12-32908256-A-G.
Other names: short protein forms F185L.
Identifiers: ClinVar variation 1193664 (VCV001193664.2), dbSNP rs779467403, ClinGen allele CA6508152.

ClinVar aggregate classification (germline): Likely pathogenic (1 of 4 stars; one submission).

Allele frequency attached by ClinVar (database versions not stated): gnomAD 0.00001; gnomAD exomes 0.00001; TOPMed 0.00001; ExAC 0.00002.
gnomAD v4.1: 5 of 1,614,024 alleles (0.00031%); highest among the groups gnomAD compares: Non-Finnish European, 0.00042%; no homozygotes.

Submission:

GeneDx
Classification: Likely pathogenic. Last evaluated: 2021-01-04. Review status: criteria provided, single submitter. Criteria: GeneDx Variant Classification Process June 2021. Collection method: clinical testing. Allele origin: germline. Affected: yes.
Comment: Has not been previously published as pathogenic or benign to our knowledge; Not observed at a significant frequency in large population cohorts (Lek et al., 2016); In silico analysis supports that this missense variant has a deleterious effect on protein structure/function